The following is an entry in ClinVar:

ClinVar aggregate classification (germline): Conflicting classifications of pathogenicity. Review status: criteria provided, conflicting classifications (1 of 4 stars). 3 submissions from 3 submitters: Uncertain significance (1); Likely benign (2). Last evaluated 2025-08-24.

Conditions:
Haddad syndrome (OHD). Also called: Ondine-Hirschsprung disease. Identifiers: Orphanet 99803, MedGen C1859049, MONDO:0020493.
Hereditary cancer-predisposing syndrome. Also called: Hereditary Cancer Syndrome; Tumor predisposition; Neoplastic Syndromes, Hereditary; Hereditary neoplastic syndrome. Identifiers: Orphanet 140162, MedGen C0027672, MeSH D009386, MONDO:0015356.

Allele frequency attached by ClinVar (database versions not stated): ExAC 0.00001; gnomAD exomes 0.00001; gnomAD 0.00003; TOPMed 0.00003.
gnomAD v4.1: 52 of 1,611,456 alleles (0.0032%); highest among the groups gnomAD compares: Non-Finnish European, 0.0044%; no homozygotes.

Submissions (3):

Labcorp Genetics (formerly Invitae), Labcorp
Classification: Likely benign for Haddad syndrome. Last evaluated: 2025-08-24. Review status: criteria provided, single submitter. Criteria: Invitae Variant Classification Sherloc (09022015). Collection method: clinical testing. Allele origin: germline.

GeneDx
Classification: Uncertain significance. Last evaluated: 2024-05-17. Review status: criteria provided, single submitter. Criteria: GeneDx Variant Classification Process June 2021. Collection method: clinical testing. Allele origin: germline. Affected: yes.
Comment: Not observed at significant frequency in large population cohorts (gnomAD); In silico analysis indicates that this variant does not alter splicing; Has not been previously published as pathogenic or benign to our knowledge

Ambry Genetics
Classification: Likely benign for Hereditary cancer-predisposing syndrome. Last evaluated: 2018-10-30. Review status: criteria provided, single submitter. Criteria: Ambry Variant Classification Scheme 2023. Collection method: clinical testing. Allele origin: germline.

NM_003924.4(PHOX2B):c.315C>T (p.Phe105=)

Gene: PHOX2B (paired like homeobox 2B; minus strand). Cytogenetic location: 4p13.
Variant type: single nucleotide variant.
Coding change: c.315C>T on transcript NM_003924.4 (MANE Select); coding-DNA position 315, C replaced by T.
Protein change: p.Phe105=; no amino-acid change (phenylalanine 105 retained).
Molecular consequence: synonymous variant.
Genome position (GRCh38, 1-based): chr4:41,747,463, G>A on the plus strand (C>T on the coding strand, the complement: PHOX2B is on the minus strand). VCF-style: chr4-41747463-G-A. GRCh37 (hg19) VCF-style: chr4-41749480-G-A.
Identifiers: ClinVar variation 704591 (VCV000704591.16), dbSNP rs763804374, ClinGen allele CA2901532.